The following is an entry in ClinVar:

NM_173495.3(PTCHD1):c.1423G>T (p.Ala475Ser)

Gene: PTCHD1 (patched domain containing 1; plus strand). Cytogenetic location: Xp22.11.
Variant type: single nucleotide variant.
Coding change: c.1423G>T on transcript NM_173495.3 (MANE Select); coding-DNA position 1423, G replaced by T.
Protein change: p.Ala475Ser; replaces alanine 475 with serine.
Molecular consequence: missense variant.
Genome position (GRCh38, 1-based): chrX:23,392,941, G>T. VCF-style: chrX-23392941-G-T. GRCh37 (hg19) VCF-style: chrX-23411058-G-T.
Other names: short protein forms A475S.
Identifiers: ClinVar variation 3030294 (VCV003030294.2), dbSNP rs763837691, ClinGen allele CA412584091.

ClinVar aggregate classification (germline): Uncertain significance (0 of 4 stars; one submission).

Conditions:
PTCHD1-related disorder. Also called: PTCHD1-related condition.

Allele frequency attached by ClinVar (database versions not stated): TOPMed 0.00002.
gnomAD v4.1: 1 of 1,212,328 alleles (0.000082%); highest among the groups gnomAD compares: Non-Finnish European, 0.00011%; no homozygotes.

Submission:

PreventionGenetics, part of Exact Sciences
Classification: Uncertain significance for PTCHD1-related condition. Last evaluated: 2023-12-27. Review status: no assertion criteria provided. Collection method: clinical testing. Allele origin: germline.
Comment: The PTCHD1 c.1423G>T variant is predicted to result in the amino acid substitution p.Ala475Ser. To our knowledge, this variant has not been reported in the literature or in a large population database, indicating this variant is rare. At this time, the clinical significance of this variant is uncertain due to the absence of conclusive functional and genetic evidence.